The following is an entry in ClinVar:

NM_014000.3(VCL):c.1273C>G (p.Pro425Ala)

Gene: VCL (vinculin; plus strand). Cytogenetic location: 10q22.2.
Variant type: single nucleotide variant.
Coding change: c.1273C>G on transcript NM_014000.3 (MANE Select); coding-DNA position 1273, C replaced by G.
Protein change: p.Pro425Ala; replaces proline 425 with alanine.
Molecular consequence: missense variant.
Genome position (GRCh38, 1-based): chr10:74,090,119, C>G. VCF-style: chr10-74090119-C-G. GRCh37 (hg19) VCF-style: chr10-75849877-C-G.
Other names: c.1273C>G, p.Pro425Ala (NM_003373.4); short protein forms P425A.
Identifiers: ClinVar variation 4737606 (VCV004737606.1).

ClinVar aggregate classification (germline): Uncertain significance (1 of 4 stars; one submission).

Conditions:
Dilated cardiomyopathy 1W (CMD1W). Identifiers: Orphanet 154, MedGen C1969639, MONDO:0012667, OMIM 611407.

Submission:

Labcorp Genetics (formerly Invitae), Labcorp
Classification: Uncertain significance for Dilated cardiomyopathy 1W. Last evaluated: 2025-08-29. Review status: criteria provided, single submitter. Criteria: Invitae Variant Classification Sherloc (09022015). Collection method: clinical testing. Allele origin: germline.
Comment: This sequence change replaces proline, which is neutral and non-polar, with alanine, which is neutral and non-polar, at codon 425 of the VCL protein (p.Pro425Ala). This variant is not present in population databases (gnomAD no frequency). This missense change has been observed in individual(s) with VCL-related conditions (PMID: 30165862). An algorithm developed to predict the effect of missense changes on protein structure and function (PolyPhen-2) suggests that this variant is likely to be disruptive. In summary, the available evidence is currently insufficient to determine the role of this variant in disease. Therefore, it has been classified as a Variant of Uncertain Significance.

Literature cited by the submitters: PubMed 30165862.